The following is an entry in ClinVar:

NM_020987.5(ANK3):c.9160T>C (p.Phe3054Leu)

Gene: ANK3 (ankyrin 3; minus strand). Cytogenetic location: 10q21.2.
Variant type: single nucleotide variant.
Coding change: c.9160T>C on transcript NM_020987.5 (MANE Select); coding-DNA position 9160, T replaced by C.
Protein change: p.Phe3054Leu; replaces phenylalanine 3054 with leucine.
Molecular consequence: missense variant. On other transcripts: intron variant (4).
Genome position (GRCh38, 1-based): chr10:60,071,721, A>G on the plus strand (T>C on the coding strand, the complement: ANK3 is on the minus strand). VCF-style: chr10-60071721-A-G. GRCh37 (hg19) VCF-style: chr10-61831479-A-G.
Other names: c.4388-3712T>C (NM_001204403.2); c.4409-3712T>C (NM_001204404.2); c.4406-3712T>C (NM_001320874.2); c.1808-3712T>C (NM_001149.4); c.9160T>C (NM_020987.3); short protein forms F3054L.
Identifiers: ClinVar variation 1417969 (VCV001417969.10), dbSNP rs138858281, ClinGen allele CA5511430.

ClinVar aggregate classification (germline): Uncertain significance. Review status: criteria provided, multiple submitters, no conflicts (2 of 4 stars). 3 submissions from 3 submitters: Uncertain significance (3). Last evaluated 2025-09-13.

Conditions:
Inborn genetic diseases. Identifiers: MedGen C0950123, MeSH D030342.

Allele frequency attached by ClinVar (database versions not stated): gnomAD exomes 0.00001 and 0.00003; ExAC 0.00005; ESP Exome Variant Server 0.00008; gnomAD 0.00011 and 0.00014; TOPMed 0.00015.
gnomAD v4.1: 34 of 1,597,458 alleles (0.0021%); highest among the groups gnomAD compares: African/African-American, 0.032%; no homozygotes.

Submissions (3):

Labcorp Genetics (formerly Invitae), Labcorp
Classification: Uncertain significance. Last evaluated: 2025-09-13. Review status: criteria provided, single submitter. Criteria: Invitae Variant Classification Sherloc (09022015). Collection method: clinical testing. Allele origin: germline.
Comment: This sequence change replaces phenylalanine, which is neutral and non-polar, with leucine, which is neutral and non-polar, at codon 3054 of the ANK3 protein (p.Phe3054Leu). This variant is present in population databases (rs138858281, gnomAD 0.05%). This variant has not been reported in the literature in individuals affected with ANK3-related conditions. ClinVar contains an entry for this variant (Variation ID: 1417969). An algorithm developed to predict the effect of missense changes on protein structure and function (PolyPhen-2) suggests that this variant is likely to be tolerated. In summary, the available evidence is currently insufficient to determine the role of this variant in disease. Therefore, it has been classified as a Variant of Uncertain Significance.

GeneDx
Classification: Uncertain significance. Last evaluated: 2025-06-05. Review status: criteria provided, single submitter. Criteria: GeneDx Variant Classification Process June 2021. Collection method: clinical testing. Allele origin: germline. Affected: yes.
Comment: In silico analysis suggests that this missense variant does not alter protein structure/function; Has not been previously published as pathogenic or benign to our knowledge

Ambry Genetics
Classification: Uncertain significance for Inborn genetic diseases. Last evaluated: 2022-04-12. Review status: criteria provided, single submitter. Criteria: Ambry Variant Classification Scheme 2023. Collection method: clinical testing. Allele origin: germline.